The following is an entry in ClinVar:

ClinVar aggregate classification (germline): Uncertain significance (1 of 4 stars; one submission).

Conditions:
SEMA3G-related disorder. Also called: SEMA3G-related condition.

gnomAD v4.1: 14 of 1,613,244 alleles (0.00087%); highest among the groups gnomAD compares: African/African-American, 0.011%; no homozygotes.

Submission:

PreventionGenetics, part of Exact Sciences
Classification: Uncertain significance for SEMA3G-related condition. Last evaluated: 2026-01-14. Review status: criteria provided, single submitter. Criteria: ACMG Guidelines, 2015. Collection method: clinical testing. Allele origin: germline.
Comment: The SEMA3G c.1927C>T variant is predicted to result in the amino acid substitution p.Arg643Cys. To our knowledge, this variant has not been reported in the literature. This variant is reported in 0.012% of alleles in individuals of African descent in gnomAD. At this time, the clinical significance of this variant is uncertain due to the absence of conclusive functional and genetic evidence.

NM_020163.3(SEMA3G):c.1927C>T (p.Arg643Cys)

Gene: SEMA3G (semaphorin 3G; minus strand). Cytogenetic location: 3p21.1.
Variant type: single nucleotide variant.
Coding change: c.1927C>T on transcript NM_020163.3 (MANE Select); coding-DNA position 1927, C replaced by T.
Protein change: p.Arg643Cys; replaces arginine 643 with cysteine.
Molecular consequence: missense variant.
Genome position (GRCh38, 1-based): chr3:52,436,025, G>A on the plus strand (C>T on the coding strand, the complement: SEMA3G is on the minus strand). VCF-style: chr3-52436025-G-A. GRCh37 (hg19) VCF-style: chr3-52470041-G-A.
Other names: short protein forms R643C.
Identifiers: ClinVar variation 4988885 (VCV004988885.1).